The following is an entry in ClinVar:

NM_023110.3(FGFR1):c.1755C>A (p.Tyr585Ter)

Gene: FGFR1 (fibroblast growth factor receptor 1; minus strand). Cytogenetic location: 8p11.23.
Variant type: single nucleotide variant.
Coding change: c.1755C>A on transcript NM_023110.3 (MANE Select); coding-DNA position 1755, C replaced by A.
Protein change: p.Tyr585Ter; replaces tyrosine 585 with a stop codon.
Molecular consequence: nonsense.
Genome position (GRCh38, 1-based): chr8:38,415,969, G>T on the plus strand (C>A on the coding strand, the complement: FGFR1 is on the minus strand). VCF-style: chr8-38415969-G-T. GRCh37 (hg19) VCF-style: chr8-38273487-G-T.
Other names: c.1755C>A, p.Tyr585Ter (NM_000604.2); c.1749C>A, p.Tyr583Ter (NM_001174063.2, NM_015850.4, NM_001354367.2 and 1 more transcripts); c.1743C>A, p.Tyr581Ter (NM_001354369.2, NM_001410922.1); c.1482C>A, p.Tyr494Ter (NM_001354370.2, NM_023106.3); c.1488C>A, p.Tyr496Ter (NM_023105.3, NM_001174066.2); c.1848C>A, p.Tyr616Ter (NM_001174067.2); c.1476C>A, p.Tyr492Ter (NM_001354368.2); c.1725C>A, p.Tyr575Ter (NM_001174064.2); short protein forms Y492*, Y494*, Y496*, Y575*, Y581*, Y583*, Y585*, Y616*.
Identifiers: ClinVar variation 2505396 (VCV002505396.1), dbSNP rs2150586919, ClinGen allele CA370731734.

ClinVar aggregate classification (germline): Pathogenic (1 of 4 stars; one submission).

Conditions:
Hypogonadotropic hypogonadism 2 with or without anosmia (HH2). Also called: FGFR1-Related GnRH Deficiency (Kallmann Syndrome 2); HYPOGONADOTROPIC HYPOGONADISM 2 WITHOUT ANOSMIA; HYPOGONADOTROPIC HYPOGONADISM 2 WITH OR WITHOUT ANOSMIA, SUSCEPTIBILITY TO; HYPOGONADOTROPIC HYPOGONADISM 2 WITHOUT ANOSMIA, SUSCEPTIBILITY TO. Identifiers: Orphanet 478, MedGen C1563720, MONDO:0007844, OMIM 147950. Disease mechanism: loss of function.

Submission:

Reproductive Endocrine Unit, Massachusetts General Hospital
Classification: Pathogenic for Hypogonadotropic hypogonadism 2 with or without anosmia. Last evaluated: 2023-05-04. Review status: criteria provided, single submitter. Criteria: ACMG Guidelines, 2015. Collection method: research. Allele origin: unknown. Affected: yes. Observed: 1 variant allele.
Comment: The variant NM_023110.2:c.1755C>A, p.(Tyr585*) het has been classified as P1c based on the variant meeting the following ACMG Criteria: PVS1,PM2,PP3.